The following is an entry in ClinVar:

ClinVar aggregate classification (germline): Uncertain significance. Review status: criteria provided, multiple submitters, no conflicts (2 of 4 stars). 6 submissions from 6 submitters: Uncertain significance (6). Last evaluated 2024-01-24.

Conditions:
Inborn genetic diseases. Identifiers: MedGen C0950123, MeSH D030342.
Congenital multicore myopathy with external ophthalmoplegia (CMYO1B). Also called: MULTIMINICORE DISEASE WITH EXTERNAL OPHTHALMOPLEGIA; MULTICORE MYOPATHY; Congenital myopathy 1B, autosomal recessive; Minicore myopathy; Minicore myopathy with external ophthalmoplegia. Identifiers: Orphanet 598, Orphanet 98905, MedGen C1850674, MONDO:0009712, OMIM 255320, HP:0003789.
King Denborough syndrome (KDS). Identifiers: MedGen C1840365, MONDO:0020485, OMIM 619542.
Malignant hyperthermia, susceptibility to, 1 (MHS1). Also called: Malignant hyperthermia suceptibility 1; RYR1-Related Malignant Hyperthermia Susceptibility; Anesthesia related hyperthermia; Malignant hyperpyrexia; Fulminating hyperpyrexia; Pharmacogenic myopathy. Identifiers: Orphanet 423, MedGen C2930980, MONDO:0007783, OMIM 145600.
Congenital myopathy with fiber type disproportion. Also called: Congenital fiber-type disproportion; Congenital fiber-type disproportion myopathy. Identifiers: Orphanet 2020, MedGen C0546264, MONDO:0009711. Inheritance: all.
Central core myopathy (CMYO1A). Also called: CONGENITAL MYOPATHY 1A, AUTOSOMAL DOMINANT, WITH SUSCEPTIBILITY TO MALIGNANT HYPERTHERMIA; Central core disease; Myopathy, central fibrillar. Identifiers: Orphanet 597, MedGen C5830701, MONDO:0007294, OMIM 117000.
RYR1-related disorder. Also called: RYR1-related condition; RYR1-related disorders. Identifiers: MedGen CN239331.

Allele frequency attached by ClinVar (database versions not stated): gnomAD 0.00001 and 0.00002; ExAC 0.00002; gnomAD exomes 0.00002; TOPMed 0.00006; ESP Exome Variant Server 0.00015.
gnomAD v4.1: 16 of 1,613,892 alleles (0.00099%); highest among the groups gnomAD compares: East Asian, 0.0045%; no homozygotes.

Submissions (6):

Ambry Genetics
Classification: Uncertain significance for Inborn genetic diseases. Last evaluated: 2024-01-24. Review status: criteria provided, single submitter. Criteria: Ambry Variant Classification Scheme 2023. Collection method: clinical testing. Allele origin: germline.

All of Us Research Program, National Institutes of Health
Classification: Uncertain significance for Malignant hyperthermia, susceptibility to, 1. Last evaluated: 2023-12-01. Review status: criteria provided, single submitter. Criteria: ACMG Guidelines, 2015. Collection method: clinical testing. Allele origin: germline. Inheritance: Autosomal dominant inheritance. Observed: 3 variant alleles, 3 heterozygotes.
Comment: This missense variant replaces glutamic acid with lysine at codon 689 of the RYR1 protein. Computational prediction suggests that this variant may not impact protein structure and function (internally defined REVEL score threshold <= 0.5, PMID: 27666373). To our knowledge, functional studies have not been reported for this variant. This variant has not been reported in individuals affected with RYR1-related disorders in the literature. This variant has been identified in 4/250416 chromosomes in the general population by the Genome Aggregation Database (gnomAD). The available evidence is insufficient to determine the role of this variant in disease conclusively. Therefore, this variant is classified as a Variant of Uncertain Significance.

This study involves interpretation of variants in research participants for the purpose of population health screening. Participant phenotype was not available at the time of variant classification. Additional details can be found in publication PMID: 35346344, PMCID: PMC8962531

Color Diagnostics, LLC DBA Color Health
Classification: Uncertain significance for Malignant hyperthermia, susceptibility to, 1. Last evaluated: 2023-10-05. Review status: criteria provided, single submitter. Criteria: ACMG Guidelines, 2015. Collection method: clinical testing. Allele origin: germline.
Comment: This missense variant replaces glutamic acid with lysine at codon 689 of the RYR1 protein. Computational prediction suggests that this variant may not impact protein structure and function. To our knowledge, functional studies have not been reported for this variant. This variant has not been reported in individuals affected with RYR1-related disorders in the literature. This variant has been identified in 4/250416 chromosomes in the general population by the Genome Aggregation Database (gnomAD). The available evidence is insufficient to determine the role of this variant in disease conclusively. Therefore, this variant is classified as a Variant of Uncertain Significance.

Revvity Omics, Revvity
Classification: Uncertain significance. Last evaluated: 2023-04-26. Review status: criteria provided, single submitter. Criteria: ACMG Guidelines, 2015. Collection method: clinical testing. Allele origin: germline.

Fulgent Genetics
Classification: Uncertain significance for Central core myopathy; Malignant hyperthermia, susceptibility to, 1; Congenital myopathy 4A, autosomal dominant; Congenital multicore myopathy with external ophthalmoplegia; King Denborough syndrome. Last evaluated: 2021-10-19. Review status: criteria provided, single submitter. Criteria: ACMG Guidelines, 2015. Collection method: clinical testing. Allele origin: unknown.

Labcorp Genetics (formerly Invitae), Labcorp
Classification: Uncertain significance for RYR1-related disorder. Last evaluated: 2021-08-24. Review status: criteria provided, single submitter. Criteria: Invitae Variant Classification Sherloc (09022015). Collection method: clinical testing. Allele origin: germline.
Comment: This sequence change replaces glutamic acid with lysine at codon 689 of the RYR1 protein (p.Glu689Lys). The glutamic acid residue is highly conserved and there is a small physicochemical difference between glutamic acid and lysine. This variant is present in population databases (rs144845360, ExAC 0.01%). This variant has not been reported in the literature in individuals affected with RYR1-related conditions. Algorithms developed to predict the effect of missense changes on protein structure and function are either unavailable or do not agree on the potential impact of this missense change (SIFT: "Deleterious"; PolyPhen-2: "Possibly Damaging"; Align-GVGD: "Class C0"). In summary, the available evidence is currently insufficient to determine the role of this variant in disease. Therefore, it has been classified as a Variant of Uncertain Significance.

NM_000540.3(RYR1):c.2065G>A (p.Glu689Lys)

Gene: RYR1 (ryanodine receptor 1; plus strand). Cytogenetic location: 19q13.2.
Variant type: single nucleotide variant.
Coding change: c.2065G>A on transcript NM_000540.3 (MANE Select); coding-DNA position 2065, G replaced by A.
Protein change: p.Glu689Lys; replaces glutamic acid 689 with lysine.
Molecular consequence: missense variant.
Genome position (GRCh38, 1-based): chr19:38,458,190, G>A. VCF-style: chr19-38458190-G-A. GRCh37 (hg19) VCF-style: chr19-38948830-G-A.
Other names: c.2065G>A, p.Glu689Lys (NM_001042723.2); short protein forms E689K.
Identifiers: ClinVar variation 663301 (VCV000663301.9), dbSNP rs144845360, ClinGen allele CA062786.